The following is an entry in ClinVar:

ClinVar aggregate classification (germline): Uncertain significance (1 of 4 stars; one submission).

Conditions:
Autoimmune lymphoproliferative syndrome type 2A (ALPS2A). Also called: Autoimmune lymphoproliferative syndrome type 2; CASP10-Related Autoimmune Lymphoproliferative Syndrome; AUTOIMMUNE LYMPHOPROLIFERATIVE SYNDROME, TYPE IIA. Identifiers: Orphanet 3261, MedGen C1858968, MONDO:0011383, OMIM 603909.

Submission:

Labcorp Genetics (formerly Invitae), Labcorp
Classification: Uncertain significance for Autoimmune lymphoproliferative syndrome, type 2A; Autoimmune lymphoproliferative syndrome type 2. Last evaluated: 2019-10-26. Review status: criteria provided, single submitter. Criteria: Invitae Variant Classification Sherloc (09022015). Collection method: clinical testing. Allele origin: germline.
Comment: This variant results in a copy number gain of the genomic region encompassing the full coding sequence of the CASP10 gene. The boundaries of this event are unknown as they extend beyond the assayed region for this gene and therefore may encompass additional genes. As the precise location of this event is unknown, it may be in tandem or it may be located elsewhere in the genome. This variant has not been reported in the literature in individuals with CASP10-related conditions. In summary, the available evidence is currently insufficient to determine the role of this variant in disease. Therefore, it has been classified as a Variant of Uncertain Significance.

NC_000002.12:g.(?_201185758)_(201229103_?)dup

Gene: CASP10 (caspase 10; plus strand). Cytogenetic location: 2q33.1.
Variant type: Duplication.
Identifiers: ClinVar variation 833235 (VCV000833235.3).